The following is an entry in ClinVar:

ClinVar aggregate classification (germline): Uncertain significance (1 of 4 stars; one submission).

Conditions:
Intellectual developmental disorder, X-linked 63. Also called: MENTAL RETARDATION, X-LINKED 68; Intellectual disability, X-linked 63. Identifiers: Orphanet 777, MedGen C1845672, MONDO:0010313, OMIM 300387.

gnomAD v4.1: 14 of 1,193,145 alleles (0.0012%); highest among the groups gnomAD compares: East Asian, 0.027%; no homozygotes.

Submission:

Juno Genomics, Hangzhou Juno Genomics, Inc
Classification: Uncertain significance for Intellectual developmental disorder, X-linked 63. Review status: criteria provided, single submitter. Criteria: ACMG Guidelines, 2015. Collection method: clinical testing. Allele origin: germline. Affected: yes.
Comment: Absent from controls (or at extremely low frequency if recessive) in Genome Aggregation Database, Exome Sequencing Project, 1000 Genomes Project, or Exome Aggregation Consortium.;Multiple lines of computational evidence support a deleterious effect on the gene or gene product (conservation, evolutionary, splicing impact, etc).;Patient's phenotype or family history is highly specific for a disease with a single genetic etiology.

NM_001318510.2(ACSL4):c.1143G>T (p.Leu381=)

Gene: ACSL4 (acyl-CoA synthetase long chain family member 4; minus strand). Cytogenetic location: Xq23.
Variant type: single nucleotide variant.
Coding change: c.1143G>T on transcript NM_001318510.2 (MANE Select); coding-DNA position 1143, G replaced by T.
Protein change: p.Leu381=; no amino-acid change (leucine 381 retained).
Molecular consequence: synonymous variant.
Genome position (GRCh38, 1-based): chrX:109,668,273, C>A on the plus strand (G>T on the coding strand, the complement: ACSL4 is on the minus strand). VCF-style: chrX-109668273-C-A. GRCh37 (hg19) VCF-style: chrX-108911502-C-A.
Other names: c.1266G>T, p.Leu422= (NM_001318509.2, NM_022977.3); c.1143G>T, p.Leu381= (NM_004458.3).
Identifiers: ClinVar variation 3382588 (VCV003382588.2).
Genomic context (GRCh38, chrX:109,668,273, plus strand): 5'-TCCAGACAGCATCATGCGGACATTCCCTCCCAGCAGGGCCTTGACCTTTTTAAACAGTAA[C>A]CTTAATAAAGGGAGGATAAATGATTTTAATGTACGCATACATTATTCTTGGCAACACACT-3'
Protein context (NP_001305439.1, residues 371-391): KKGYDAPLCN[Leu381=]LLFKKVKALL